The following is an entry in ClinVar:

ClinVar aggregate classification (germline): Uncertain significance (1 of 4 stars; one submission).

Conditions:
Cardiovascular phenotype. Identifiers: MedGen CN230736.
Hereditary cancer-predisposing syndrome. Also called: Hereditary Cancer Syndrome; Hereditary neoplastic syndrome; Neoplastic Syndromes, Hereditary; Tumor predisposition. Identifiers: Orphanet 140162, MedGen C0027672, MeSH D009386, MONDO:0015356.

Submission:

Ambry Genetics
Classification: Uncertain significance for Cardiovascular phenotype; Hereditary cancer-predisposing syndrome. Last evaluated: 2021-05-06. Review status: criteria provided, single submitter. Criteria: Ambry Variant Classification Scheme 2023. Collection method: clinical testing. Allele origin: germline.
Comment: The p.V2009A variant (also known as c.6026T>C), located in coding exon 40 of the NF1 gene, results from a T to C substitution at nucleotide position 6026. The valine at codon 2009 is replaced by alanine, an amino acid with similar properties. This amino acid position is highly conserved in available vertebrate species. In addition, this alteration is predicted to be deleterious by in silico analysis. Since supporting evidence is limited at this time, the clinical significance of this alteration remains unclear.

NM_001042492.3(NF1):c.6089T>C (p.Val2030Ala)

Gene: NF1 (neurofibromin 1; plus strand). Cytogenetic location: 17q11.2.
Variant type: single nucleotide variant.
Coding change: c.6089T>C on transcript NM_001042492.3 (MANE Select); coding-DNA position 6089, T replaced by C.
Protein change: p.Val2030Ala; replaces valine 2030 with alanine.
Molecular consequence: missense variant.
Genome position (GRCh38, 1-based): chr17:31,336,415, T>C. VCF-style: chr17-31336415-T-C. GRCh37 (hg19) VCF-style: chr17-29663433-T-C.
Other names: c.6026T>C, p.Val2009Ala (NM_000267.4); short protein forms V2030A, V2009A.
Identifiers: ClinVar variation 1751149 (VCV001751149.2), dbSNP rs2151553422, ClinGen allele CA399011303.
Genomic context (GRCh38, chr17:31,336,415, plus strand): 5'-TACTAGACAGTTTCATCAAAACCAGTGCAACAGGTGGCTTGGGATCAATAAAAGCTGAGG[T>C]GATGGCAGATACTGCTGTAGCTTTGGCTTCTGGAAATGTGAAATTGGTTTCAAGCAAGGT-3'
Protein context (NP_001035957.1, residues 2020-2040): TGGLGSIKAE[Val2030Ala]MADTAVALAS